The following is an entry in ClinVar:

ClinVar aggregate classification (germline): Uncertain significance (1 of 4 stars; one submission).

Conditions:
Inborn genetic diseases. Identifiers: MedGen C0950123, MeSH D030342.

Submission:

Ambry Genetics
Classification: Uncertain significance for Inborn genetic diseases. Last evaluated: 2026-02-16. Review status: criteria provided, single submitter. Criteria: Ambry Variant Classification Scheme 2023. Collection method: clinical testing. Allele origin: germline.
Comment: The p.S607G variant (also known as c.1819A>G), located in coding exon 11 of the FANCM gene, results from an A to G substitution at nucleotide position 1819. The serine at codon 607 is replaced by glycine, an amino acid with similar properties. This amino acid position is conserved. In addition, this alteration is predicted to be tolerated by in silico analysis. Based on the available evidence, the clinical significance of this variant remains unclear.

NM_020937.4(FANCM):c.1819A>G (p.Ser607Gly)

Gene: FANCM (FA complementation group M; plus strand). Cytogenetic location: 14q21.2.
Variant type: single nucleotide variant.
Coding change: c.1819A>G on transcript NM_020937.4 (MANE Select); coding-DNA position 1819, A replaced by G.
Protein change: p.Ser607Gly; replaces serine 607 with glycine.
Molecular consequence: missense variant.
Genome position (GRCh38, 1-based): chr14:45,166,980, A>G. VCF-style: chr14-45166980-A-G. GRCh37 (hg19) VCF-style: chr14-45636183-A-G.
Other names: c.1741A>G, p.Ser581Gly (NM_001308133.2); c.1819A>G, p.Ser607Gly (NM_001308134.2); short protein forms S607G, S581G.
Identifiers: ClinVar variation 4844567 (VCV004844567.1).
Genomic context (GRCh38, chr14:45,166,980, plus strand): 5'-TAATCTGACATTTTCTATTTGTTTTTACAGATTTATAATCAGAGTCAGTCCAACAAAAGA[A>G]GTATATATAAAGCTATTTCAAGTAACAGGCAGGTCCTTCATTTTTACCAAAGAAGTCCAC-3'
Protein context (NP_065988.1, residues 597-617): IYNQSQSNKR[Ser607Gly]IYKAISSNRQ